The following is an entry in ClinVar:

ClinVar aggregate classification (germline): Uncertain significance (1 of 4 stars; one submission).

Conditions:
Marfan syndrome (MFS). Also called: MARFAN SYNDROME, TYPE I; Marfan syndrome type 1; Marfan's syndrome; Marfan syndrome, classic; FBN1-Related Marfan Syndrome. Identifiers: Orphanet 284963, Orphanet 558, MedGen C0024796, MONDO:0007947, OMIM 154700.
Familial thoracic aortic aneurysm and aortic dissection (TAAD). Also called: Thoracic aortic aneurysms and dissections. Identifiers: Orphanet 91387, MedGen C4707243, MONDO:0019625.

gnomAD v4.1: 1 of 1,614,050 alleles (0.000062%); no homozygotes.

Submission:

Labcorp Genetics (formerly Invitae), Labcorp
Classification: Uncertain significance for Marfan syndrome; Familial thoracic aortic aneurysm and aortic dissection. Last evaluated: 2025-03-18. Review status: criteria provided, single submitter. Criteria: Invitae Variant Classification Sherloc (09022015). Collection method: clinical testing. Allele origin: germline.
Comment: This sequence change replaces asparagine, which is neutral and polar, with serine, which is neutral and polar, at codon 1848 of the FBN1 protein (p.Asn1848Ser). This variant is not present in population databases (gnomAD no frequency). This variant has not been reported in the literature in individuals affected with FBN1-related conditions. An algorithm developed to predict the effect of missense changes on protein structure and function (PolyPhen-2) suggests that this variant is likely to be tolerated. In summary, the available evidence is currently insufficient to determine the role of this variant in disease. Therefore, it has been classified as a Variant of Uncertain Significance.

NM_000138.5(FBN1):c.5543A>G (p.Asn1848Ser)

Gene: FBN1 (fibrillin 1; minus strand). Cytogenetic location: 15q21.1.
Variant type: single nucleotide variant.
Coding change: c.5543A>G on transcript NM_000138.5 (MANE Select); coding-DNA position 5543, A replaced by G.
Protein change: p.Asn1848Ser; replaces asparagine 1848 with serine.
Molecular consequence: missense variant.
Genome position (GRCh38, 1-based): chr15:48,452,564, T>C on the plus strand (A>G on the coding strand, the complement: FBN1 is on the minus strand). VCF-style: chr15-48452564-T-C. GRCh37 (hg19) VCF-style: chr15-48744761-T-C.
Other names: c.5543A>G, p.Asn1848Ser (NM_001406716.1); short protein forms N1848S.
Identifiers: ClinVar variation 3758950 (VCV003758950.2).